The following is an entry in ClinVar:

NM_001378964.1(CDON):c.253C>A (p.Leu85Ile)

Gene: CDON (cell adhesion associated, oncogene regulated; minus strand). Cytogenetic location: 11q24.2.
Variant type: single nucleotide variant.
Coding change: c.253C>A on transcript NM_001378964.1 (MANE Select); coding-DNA position 253, C replaced by A.
Protein change: p.Leu85Ile; replaces leucine 85 with isoleucine.
Molecular consequence: missense variant.
Genome position (GRCh38, 1-based): chr11:126,021,344, G>T on the plus strand (C>A on the coding strand, the complement: CDON is on the minus strand). VCF-style: chr11-126021344-G-T. GRCh37 (hg19) VCF-style: chr11-125891239-G-T.
Other names: c.253C>A, p.Leu85Ile (NM_001243597.3, NM_016952.6); short protein forms L85I.
Identifiers: ClinVar variation 3781155 (VCV003781155.1).

ClinVar aggregate classification (germline): Uncertain significance (1 of 4 stars; one submission).

Submission:

GeneDx
Classification: Uncertain significance. Last evaluated: 2024-10-15. Review status: criteria provided, single submitter. Criteria: GeneDx Variant Classification Process June 2021. Collection method: clinical testing. Allele origin: germline. Affected: yes.
Comment: Not observed at significant frequency in large population cohorts (gnomAD); In silico analysis indicates that this missense variant does not alter protein structure/function; Has not been previously published as pathogenic or benign to our knowledge